The following is an entry in ClinVar:

NM_001105206.3(LAMA4):c.1541G>A (p.Arg514Gln)

Gene: LAMA4 (laminin subunit alpha 4; minus strand). Cytogenetic location: 6q21.
Variant type: single nucleotide variant.
Coding change: c.1541G>A on transcript NM_001105206.3 (MANE Select); coding-DNA position 1541, G replaced by A.
Protein change: p.Arg514Gln; replaces arginine 514 with glutamine.
Molecular consequence: missense variant.
Genome position (GRCh38, 1-based): chr6:112,172,621, C>T on the plus strand (G>A on the coding strand, the complement: LAMA4 is on the minus strand). VCF-style: chr6-112172621-C-T. GRCh37 (hg19) VCF-style: chr6-112493823-C-T.
Other names: c.1520G>A, p.Arg507Gln (NM_001105207.3, NM_002290.5); short protein forms R507Q, R514Q.
Identifiers: ClinVar variation 541226 (VCV000541226.25), dbSNP rs146358872, ClinGen allele CA3965759.
Genomic context (GRCh38, chr6:112,172,621, plus strand): 5'-CCATCACACTGCTGATGCTGAAATGCATTGATGGTGAGTGTCCGCTGTACCTCATGGTCC[C>T]GCTGCCTGGCTGCTGTGGCCCTGTTCATGTCTTCGGCATCCCTGACATAGTTAAGGGCCT-3'
Protein context (NP_001098676.2, residues 504-524): DMNRATAARQ[Arg514Gln]DHEKQQERVR

ClinVar aggregate classification (germline): Conflicting classifications of pathogenicity. Review status: criteria provided, conflicting classifications (1 of 4 stars). 6 submissions from 6 submitters: Uncertain significance (4); Likely benign (2). Last evaluated 2026-06-09.

Conditions:
Dilated cardiomyopathy 1JJ (CMD1JJ). Identifiers: Orphanet 154, MedGen C3808935, MONDO:0014095, OMIM 615235.
Cardiovascular phenotype. Identifiers: MedGen CN230736.

Allele frequency attached by ClinVar (database versions not stated): gnomAD exomes 0.00007; gnomAD 0.00014 and 0.00011; ExAC 0.00005; TOPMed 0.00016; ESP Exome Variant Server 0.00038.
gnomAD v4.1: 51 of 1,612,764 alleles (0.0032%); highest among the groups gnomAD compares: African/African-American, 0.033%; no homozygotes.

Submissions (6):

Women's Health and Genetics/Laboratory Corporation of America, LabCorp
Classification: Likely benign. Last evaluated: 2026-06-09. Review status: criteria provided, single submitter. Criteria: LabCorp Variant Classification Summary - May 2015. Collection method: clinical testing. Allele origin: germline.
Comment: Variant summary: LAMA4 c.1541G>A (p.Arg514Gln) results in a conservative amino acid change in the encoded protein sequence. Algorithms developed to predict the effect of missense changes on protein structure and function all suggest that this variant is likely to be tolerated. The variant allele was found at a frequency of 6.8e-05 in 251222 control chromosomes. The observed variant frequency exceeds the estimated maximal expected allele frequency for disease-causing variants in LAMA4. To our knowledge, no occurrence of c.1541G>A in individuals affected with LAMA4-related conditions and no experimental evidence demonstrating its impact on protein function have been reported. ClinVar contains an entry for this variant (Variation ID: 541226). Based on the evidence outlined above, the variant was classified as likely benign.

Labcorp Genetics (formerly Invitae), Labcorp
Classification: Uncertain significance for Dilated cardiomyopathy 1JJ. Last evaluated: 2025-11-10. Review status: criteria provided, single submitter. Criteria: Invitae Variant Classification Sherloc (09022015). Collection method: clinical testing. Allele origin: germline.
Comment: This sequence change replaces arginine, which is basic and polar, with glutamine, which is neutral and polar, at codon 507 of the LAMA4 protein (p.Arg507Gln). This variant is present in population databases (rs146358872, gnomAD 0.03%). This variant has not been reported in the literature in individuals affected with LAMA4-related conditions. ClinVar contains an entry for this variant (Variation ID: 541226). Invitae Evidence Modeling of protein sequence and biophysical properties (such as structural, functional, and spatial information, amino acid conservation, physicochemical variation, residue mobility, and thermodynamic stability) indicates that this missense variant is not expected to disrupt LAMA4 protein function with a negative predictive value of 80%. In summary, the available evidence is currently insufficient to determine the role of this variant in disease. Therefore, it has been classified as a Variant of Uncertain Significance.

GeneDx
Classification: Uncertain significance. Last evaluated: 2025-10-30. Review status: criteria provided, single submitter. Criteria: GeneDx Variant Classification Process June 2021. Collection method: clinical testing. Allele origin: germline. Affected: yes.
Comment: Has not been previously published as pathogenic or benign to our knowledge; In silico analysis suggests that this missense variant does not alter protein structure/function

Ambry Genetics
Classification: Likely benign for Cardiovascular phenotype. Last evaluated: 2024-10-08. Review status: criteria provided, single submitter. Criteria: Ambry Variant Classification Scheme 2023. Collection method: clinical testing. Allele origin: germline.

Fulgent Genetics
Classification: Uncertain significance for Dilated cardiomyopathy 1JJ. Last evaluated: 2021-07-13. Review status: criteria provided, single submitter. Criteria: ACMG Guidelines, 2015. Collection method: clinical testing. Allele origin: unknown.

ARUP Laboratories, Molecular Genetics and Genomics, ARUP Laboratories
Classification: Uncertain significance for Dilated cardiomyopathy 1JJ. Last evaluated: 2019-08-01. Review status: criteria provided, single submitter. Criteria: ARUP Molecular Germline Variant Investigation Process. Collection method: clinical testing. Allele origin: germline.
Comment: The LAMA4 c.1520G>A; p.Arg507Gln variant (rs146358872), to our knowledge, is not reported in the medical literature but is reported in ClinVar (Variation ID: 541226). This variant is found in the African population with an overall allele frequency of 0.04% (10/24968 alleles) in the Genome Aggregation Database. The arginine at codon 507 is weakly conserved, and computational analyses (SIFT, PolyPhen-2) predict that this variant is tolerated. However, due to limited information, the clinical significance of the p.Arg507Gln variant is uncertain at this time.